The following is an entry in ClinVar:

NM_006231.4(POLE):c.3456G>T (p.Gln1152His)

Gene: POLE (DNA polymerase epsilon, catalytic subunit; minus strand). Cytogenetic location: 12q24.33.
Variant type: single nucleotide variant.
Coding change: c.3456G>T on transcript NM_006231.4 (MANE Select); coding-DNA position 3456, G replaced by T.
Protein change: p.Gln1152His; replaces glutamine 1152 with histidine.
Molecular consequence: missense variant.
Genome position (GRCh38, 1-based): chr12:132,657,352, C>A on the plus strand (G>T on the coding strand, the complement: POLE is on the minus strand). VCF-style: chr12-132657352-C-A. GRCh37 (hg19) VCF-style: chr12-133233938-C-A.
Other names: c.3456G>T (NM_006231.2); short protein forms Q1152H.
Identifiers: ClinVar variation 2004683 (VCV002004683.5), dbSNP rs749751724, ClinGen allele CA387388944.

ClinVar aggregate classification (germline): Uncertain significance. Review status: criteria provided, multiple submitters, no conflicts (2 of 4 stars). 2 submissions from 2 submitters: Uncertain significance (2). Last evaluated 2026-07-10.

Conditions:
Hereditary cancer-predisposing syndrome. Also called: Hereditary neoplastic syndrome; Neoplastic Syndromes, Hereditary; Tumor predisposition; Hereditary Cancer Syndrome. Identifiers: Orphanet 140162, MedGen C0027672, MeSH D009386, MONDO:0015356.

Submissions (2):

Ambry Genetics
Classification: Uncertain significance for Hereditary cancer-predisposing syndrome. Last evaluated: 2026-07-10. Review status: criteria provided, single submitter. Criteria: Ambry Variant Classification Scheme 2023. Collection method: clinical testing. Allele origin: germline.
Comment: The p.Q1152H variant (also known as c.3456G>T), located in coding exon 28 of the POLE gene, results from a G to T substitution at nucleotide position 3456. The glutamine at codon 1152 is replaced by histidine, an amino acid with highly similar properties. This amino acid position is conserved. In addition, the in silico prediction for this alteration is inconclusive. Based on the available evidence, the clinical significance of this variant remains unclear.

Labcorp Genetics (formerly Invitae), Labcorp
Classification: Uncertain significance. Last evaluated: 2022-06-11. Review status: criteria provided, single submitter. Criteria: Invitae Variant Classification Sherloc (09022015). Collection method: clinical testing. Allele origin: germline.
Comment: In summary, the available evidence is currently insufficient to determine the role of this variant in disease. Therefore, it has been classified as a Variant of Uncertain Significance. Algorithms developed to predict the effect of missense changes on protein structure and function are either unavailable or do not agree on the potential impact of this missense change (SIFT: "Deleterious"; PolyPhen-2: "Probably Damaging"; Align-GVGD: "Class C15"). This variant has not been reported in the literature in individuals affected with POLE-related conditions. This variant is not present in population databases (gnomAD no frequency). This sequence change replaces glutamine, which is neutral and polar, with histidine, which is basic and polar, at codon 1152 of the POLE protein (p.Gln1152His).